The following is an entry in ClinVar:

ClinVar aggregate classification (germline): Pathogenic (1 of 4 stars; one submission).

Conditions:
Tuberous sclerosis 2 (TSC2). Identifiers: Orphanet 805, MedGen C1860707, MONDO:0013199, OMIM 613254.

Submission:

Labcorp Genetics (formerly Invitae), Labcorp
Classification: Pathogenic for Tuberous sclerosis 2. Last evaluated: 2025-06-11. Review status: criteria provided, single submitter. Criteria: Invitae Variant Classification Sherloc (09022015). Collection method: clinical testing. Allele origin: germline.
Comment: This sequence change creates a premature translational stop signal (p.Ser932Thrfs*16) in the TSC2 gene. It is expected to result in an absent or disrupted protein product. Loss-of-function variants in TSC2 are known to be pathogenic (PMID: 10205261, 17304050). This variant is not present in population databases (gnomAD no frequency). This variant has not been reported in the literature in individuals affected with TSC2-related conditions. For these reasons, this variant has been classified as Pathogenic.

Literature cited by the submitters: PubMed 10205261; PubMed 17304050.

NM_000548.5(TSC2):c.2795del (p.Ser932fs)

Gene: TSC2 (TSC complex subunit 2; plus strand). Cytogenetic location: 16p13.3.
Variant type: Deletion.
Coding change: c.2795del on transcript NM_000548.5 (MANE Select); coding-DNA position 2795, one base deleted (G; older notation c.2795delG).
Protein change: p.Ser932fs; shifts the reading frame from serine 932.
Molecular consequence: frameshift variant. On other transcripts: non-coding transcript variant (5).
Genome position (GRCh38, 1-based): chr16:2,076,543, G deleted. VCF-style (leftmost placement, unchanged base first): chr16-2076542-AG-A. GRCh37 (hg19) VCF-style: chr16-2126543-AG-A.
Other names: c.2795del, p.Ser932fs (NM_001077183.3, NM_001114382.3, NM_001363528.2 and 6 more transcripts); c.2684del, p.Ser895fs (NM_001318827.2, NM_001406670.1, NM_001406678.1); c.2648del, p.Ser883fs (NM_001318829.2, NM_001406675.1, NM_001406676.1 and 1 more transcripts); c.2195del, p.Ser732fs (NM_001318831.2, NM_001406680.1, NM_001406682.1 and 6 more transcripts); c.2828del, p.Ser943fs (NM_001318832.2); c.2885del, p.Ser962fs (NM_001406667.1, NM_001406668.1); c.2783del, p.Ser928fs (NM_001406671.1, NM_001406673.1); c.2738del, p.Ser913fs (NM_001406677.1); and 3 more; short protein forms S484fs, S932fs, S398fs, S778fs, S962fs, S732fs, S883fs, S895fs.
Identifiers: ClinVar variation 4721192 (VCV004721192.1).
Genomic context (GRCh38, chr16:2,076,542, plus strand): 5'-CTCTGCCAGGGCCTGCGGTCCAATGTCCTCTTGTCTTTTGATGACACCCCCGAGAAGGAC[AG>A]CTTCAGGGCCCGGAGTACTAGTCTCAACGAGAGACCCAAGAGGTACGGCCTGCGGGGGTG-3'